The following is an entry in ClinVar:

ClinVar aggregate classification (germline): Uncertain significance (1 of 4 stars; one submission).

Conditions:
Cardiovascular phenotype. Identifiers: MedGen CN230736.

gnomAD v4.1: 3 of 1,613,472 alleles (0.00019%); highest among the groups gnomAD compares: Non-Finnish European, 0.00025%; no homozygotes.

Submission:

Ambry Genetics
Classification: Uncertain significance for Cardiovascular phenotype. Last evaluated: 2020-05-27. Review status: criteria provided, single submitter. Criteria: Ambry Variant Classification Scheme 2023. Collection method: clinical testing. Allele origin: germline.
Comment: The p.I11187R variant (also known as c.33560T>G), located in coding exon 131 of the TTN gene, results from a T to G substitution at nucleotide position 33560. The isoleucine at codon 11187 is replaced by arginine, an amino acid with similar properties. This amino acid position is poorly conserved in available vertebrate species. In addition, this alteration is predicted to be tolerated by in silico analysis. Since supporting evidence is limited at this time, the clinical significance of this alteration remains unclear.

NM_001267550.2(TTN):c.60755T>G (p.Ile20252Arg)

Genes: TTN (titin; minus strand), TTN-AS1 (TTN antisense RNA 1; plus strand). Cytogenetic location: 2q31.2.
Variant type: single nucleotide variant.
Coding change: c.60755T>G on transcript NM_001267550.2 (MANE Select); coding-DNA position 60755, T replaced by G.
Protein change: p.Ile20252Arg; replaces isoleucine 20252 with arginine.
Molecular consequence: missense variant.
Genome position (GRCh38, 1-based): chr2:178,590,970, A>C on the plus strand (T>G on the coding strand, the complement: TTN is on the minus strand). VCF-style: chr2-178590970-A-C. GRCh37 (hg19) VCF-style: chr2-179455697-A-C.
Other names: c.55832T>G, p.Ile18611Arg (NM_001256850.1); c.33560T>G, p.Ile11187Arg (NM_003319.4); c.53051T>G, p.Ile17684Arg (NM_133378.4); c.33935T>G, p.Ile11312Arg (NM_133432.3); c.34136T>G, p.Ile11379Arg (NM_133437.4); short protein forms I11379R, I17684R, I11312R, I20252R, I11187R, I18611R.
Identifiers: ClinVar variation 1730547 (VCV001730547.2), dbSNP rs752999797, ClinGen allele CA349479712.
Genomic context (GRCh38, chr2:178,590,970, plus strand): 5'-GGAGGACTAAATTTATGCTTAGCAACAGTAGGTGTGGAGTCAAGGGGAGGACCAACACCT[A>C]TCTTATTCTCTGCTCTAACTCGGAAAACATATTCACAGCCCTTCTGCAGATGTGGGATTT-3'
Protein context (NP_001254479.2, residues 20242-20262): YVFRVRAENK[Ile20252Arg]GVGPPLDSTP